The following is an entry in ClinVar:

ClinVar aggregate classification (germline): Pathogenic (1 of 4 stars; one submission).

Conditions:
Pseudo-Hurler polydystrophy. Also called: ML III; ML III ALPHA/BETA; Type III Mucolipidosis; ML IIIA; Mucolipidosis III Alpha/Beta; MUCOLIPIDOSIS IIIA. Identifiers: Orphanet 423461, Orphanet 577, MedGen C0033788, MONDO:0018931, OMIM 252600.
Mucolipidosis type II. Also called: ML II ALPHA/BETA; Mucolipidosis 2; ML 2; Inclusion cell disease; Leroy Disease; N-acetylglucosamine 1phosphotransferase deficiency. Identifiers: Orphanet 576, MedGen C2673377, MONDO:0009650, OMIM 252500.

Submission:

Labcorp Genetics (formerly Invitae), Labcorp
Classification: Pathogenic for Pseudo-Hurler polydystrophy; Mucolipidosis type II. Last evaluated: 2021-06-13. Review status: criteria provided, single submitter. Criteria: Invitae Variant Classification Sherloc (09022015). Collection method: clinical testing. Allele origin: germline.
Comment: This sequence change creates a premature translational stop signal (p.Arg784Aspfs*5) in the GNPTAB gene. It is expected to result in an absent or disrupted protein product. Loss-of-function variants in GNPTAB are known to be pathogenic (PMID: 19617216, 25107912). This variant is not present in population databases (ExAC no frequency). This variant has not been reported in the literature in individuals with GNPTAB-related conditions. For these reasons, this variant has been classified as Pathogenic.

Literature cited by the submitters: PubMed 19617216; PubMed 25107912.

NM_024312.5(GNPTAB):c.2350del (p.Arg784fs)

Gene: GNPTAB (N-acetylglucosamine-1-phosphate transferase subunits alpha and beta; minus strand). Cytogenetic location: 12q23.2.
Variant type: Deletion.
Coding change: c.2350del on transcript NM_024312.5 (MANE Select); coding-DNA position 2350, one base deleted (A; older notation c.2350delA).
Protein change: p.Arg784fs; shifts the reading frame from arginine 784.
Molecular consequence: frameshift variant.
Genome position (GRCh38, 1-based): chr12:101,764,567, T deleted on the plus strand (A on the coding strand, the reverse complement: GNPTAB is on the minus strand); the first of 3 consecutive T bases (chr12:101,764,567-101,764,569); deleting any one gives the same sequence. VCF-style (leftmost placement, unchanged base first): chr12-101764566-CT-C. GRCh37 (hg19) VCF-style: chr12-102158344-CT-C.
Other names: short protein forms R784fs.
Identifiers: ClinVar variation 1455921 (VCV001455921.6), dbSNP rs2137116566, ClinGen allele CA2573147948.